The following is an entry in ClinVar:

ClinVar aggregate classification (germline): Uncertain significance. Review status: criteria provided, multiple submitters, no conflicts (2 of 4 stars). 4 submissions from 4 submitters: Uncertain significance (4). Last evaluated 2025-09-04.

Conditions:
Inborn genetic diseases. Identifiers: MedGen C0950123, MeSH D030342.
Congenital myasthenic syndrome 8. Also called: MYASTHENIC SYNDROME, CONGENITAL, DUE TO AGRIN DEFICIENCY; Myasthenic syndrome, congenital, 8, with pre- and postsynaptic defects. Identifiers: Orphanet 590, MedGen C3808739, MONDO:0014052, OMIM 615120.

Allele frequency attached by ClinVar (database versions not stated): gnomAD 0.00007 and 0.00009; ESP Exome Variant Server 0.00008; TOPMed 0.00010.

Submissions (4):

Ambry Genetics
Classification: Uncertain significance for Inborn genetic diseases. Last evaluated: 2025-09-04. Review status: criteria provided, single submitter. Criteria: Ambry Variant Classification Scheme 2023. Collection method: clinical testing. Allele origin: germline.

CeGaT Center for Human Genetics Tuebingen
Classification: Uncertain significance. Last evaluated: 2023-04-01. Review status: criteria provided, single submitter. Criteria: CeGaT Center For Human Genetics Tuebingen Variant Classification Criteria Version 2. Collection method: clinical testing. Allele origin: germline. Affected: yes. Observed: 1 variant allele.
Comment: AGRN: PM2

Labcorp Genetics (formerly Invitae), Labcorp
Classification: Uncertain significance for Congenital myasthenic syndrome 8. Last evaluated: 2022-07-25. Review status: criteria provided, single submitter. Criteria: Invitae Variant Classification Sherloc (09022015). Collection method: clinical testing. Allele origin: germline.
Comment: This sequence change replaces arginine, which is basic and polar, with cysteine, which is neutral and slightly polar, at codon 1703 of the AGRN protein (p.Arg1703Cys). This variant is present in population databases (rs151104255, gnomAD 0.009%). This variant has not been reported in the literature in individuals affected with AGRN-related conditions. ClinVar contains an entry for this variant (Variation ID: 1303668). Algorithms developed to predict the effect of missense changes on protein structure and function are either unavailable or do not agree on the potential impact of this missense change (SIFT: "Tolerated"; PolyPhen-2: "Possibly Damaging"; Align-GVGD: "Class C0"). In summary, the available evidence is currently insufficient to determine the role of this variant in disease. Therefore, it has been classified as a Variant of Uncertain Significance.

GeneDx
Classification: Uncertain significance. Last evaluated: 2019-05-14. Review status: criteria provided, single submitter. Criteria: GeneDx Variant Classification Process June 2021. Collection method: clinical testing. Allele origin: germline. Affected: yes.
Comment: In silico analysis, which includes protein predictors and evolutionary conservation, supports a deleterious effect; Has not been previously published as pathogenic or benign to our knowledge

NM_198576.4(AGRN):c.5107C>T (p.Arg1703Cys)

Gene: AGRN (agrin; plus strand). Cytogenetic location: 1p36.33.
Variant type: single nucleotide variant.
Coding change: c.5107C>T on transcript NM_198576.4 (MANE Select); coding-DNA position 5107, C replaced by T.
Protein change: p.Arg1703Cys; replaces arginine 1703 with cysteine.
Molecular consequence: missense variant.
Genome position (GRCh38, 1-based): chr1:1,050,557, C>T. VCF-style: chr1-1050557-C-T. GRCh37 (hg19) VCF-style: chr1-985937-C-T.
Other names: c.5107C>T, p.Arg1703Cys (NM_001305275.2); c.4792C>T, p.Arg1598Cys (NM_001364727.2); short protein forms R1598C, R1703C.
Identifiers: ClinVar variation 1303668 (VCV001303668.29), dbSNP rs151104255, ClinGen allele CA509853.